The following is an entry in ClinVar:

ClinVar aggregate classification (germline): Uncertain significance (1 of 4 stars; one submission).

Submission:

GeneDx
Classification: Uncertain significance. Last evaluated: 2026-02-24. Review status: criteria provided, single submitter. Criteria: GeneDx Variant Classification Process June 2021. Collection method: clinical testing. Allele origin: germline.
Comment: Not observed at significant frequency in large population cohorts (gnomAD); In silico analysis supports that this missense variant has a deleterious effect on protein structure/function; Has not been previously published as pathogenic or benign to our knowledge

NM_001909.5(CTSD):c.401A>C (p.Asn134Thr)

Gene: CTSD (cathepsin D; minus strand). Cytogenetic location: 11p15.5.
Variant type: single nucleotide variant.
Coding change: c.401A>C on transcript NM_001909.5 (MANE Select); coding-DNA position 401, A replaced by C.
Protein change: p.Asn134Thr; replaces asparagine 134 with threonine.
Molecular consequence: missense variant.
Genome position (GRCh38, 1-based): chr11:1,759,039, T>G on the plus strand (A>C on the coding strand, the complement: CTSD is on the minus strand). VCF-style: chr11-1759039-T-G. GRCh37 (hg19) VCF-style: chr11-1780269-T-G.
Other names: short protein forms N134T.
Identifiers: ClinVar variation 5009707 (VCV005009707.1).